The following is an entry in ClinVar:

ClinVar aggregate classification (germline): Uncertain significance (1 of 4 stars; one submission).

Conditions:
Familial cancer of breast. Also called: Hereditary breast cancer; BREAST CANCER, FAMILIAL; hereditary breast carcinoma. Identifiers: Orphanet 227535, MedGen C0346153, MONDO:0016419, OMIM 114480. Disease mechanism: loss of function.
Fanconi anemia complementation group J. Also called: BRIP1-Related Fanconi Anemia. Identifiers: Orphanet 84, MedGen C1836860, MONDO:0012187, OMIM 609054.

Submission:

Labcorp Genetics (formerly Invitae), Labcorp
Classification: Uncertain significance for Familial cancer of breast; Fanconi anemia complementation group J. Last evaluated: 2024-05-06. Review status: criteria provided, single submitter. Criteria: Invitae Variant Classification Sherloc (09022015). Collection method: clinical testing. Allele origin: germline.
Comment: This sequence change replaces histidine, which is basic and polar, with proline, which is neutral and non-polar, at codon 888 of the BRIP1 protein (p.His888Pro). This variant is not present in population databases (gnomAD no frequency). This variant has not been reported in the literature in individuals affected with BRIP1-related conditions. ClinVar contains an entry for this variant (Variation ID: 960309). Advanced modeling of protein sequence and biophysical properties (such as structural, functional, and spatial information, amino acid conservation, physicochemical variation, residue mobility, and thermodynamic stability) performed at Invitae indicates that this missense variant is not expected to disrupt BRIP1 protein function with a negative predictive value of 80%. In summary, the available evidence is currently insufficient to determine the role of this variant in disease. Therefore, it has been classified as a Variant of Uncertain Significance.

NM_032043.3(BRIP1):c.2663A>C (p.His888Pro)

Gene: BRIP1 (BRCA1 interacting DNA helicase 1; minus strand). Cytogenetic location: 17q23.2.
Variant type: single nucleotide variant.
Coding change: c.2663A>C on transcript NM_032043.3 (MANE Select); coding-DNA position 2663, A replaced by C.
Protein change: p.His888Pro; replaces histidine 888 with proline.
Molecular consequence: missense variant.
Genome position (GRCh38, 1-based): chr17:61,686,078, T>G on the plus strand (A>C on the coding strand, the complement: BRIP1 is on the minus strand). VCF-style: chr17-61686078-T-G. GRCh37 (hg19) VCF-style: chr17-59763439-T-G.
Other names: short protein forms H888P.
Identifiers: ClinVar variation 960309 (VCV000960309.10), dbSNP rs2061359359, ClinGen allele CA400481832.